The following is an entry in ClinVar:

ClinVar aggregate classification (germline): Likely pathogenic. Review status: criteria provided, multiple submitters, no conflicts (2 of 4 stars). 3 submissions from 3 submitters: Likely pathogenic (3). Last evaluated 2025-02-06.

Conditions:
Shwachman-Diamond syndrome 1 (SDS1). Also called: LIPOMATOSIS OF PANCREAS, CONGENITAL. Identifiers: MedGen C4692625, MONDO:0044204, OMIM 260400.
Aplastic anemia. Identifiers: Orphanet 182040, Orphanet 88, MedGen C0002874, MONDO:0015909, OMIM 609135, HP:0001915.

Submissions (3):

Broad Center for Mendelian Genomics, Broad Institute of MIT and Harvard
Classification: Likely pathogenic for Shwachman-Diamond syndrome 1. Last evaluated: 2025-02-06. Review status: criteria provided, single submitter. Criteria: ACMG Guidelines, 2015. Collection method: curation. Allele origin: germline. Inheritance: Autosomal recessive inheritance.
Comment: The p.Gln152AsnfsTer7 variant in SBDS has not been previously reported in the literature in individuals with Swachman-Diamond syndrome, but has been identified in 0.002% (1/62494) of remaining chromosomes by the Genome Aggregation Database (gnomAD; dbSNP rs1411636529). Although this variant has been seen in the general population in a heterozygous state, its frequency is low enough to be consistent with a recessive carrier frequency. The presence of a known pseudogene, SBDSP1, can impact the reliability of allele frequencies. This variant has also been reported in ClinVar (Variation ID: 2433145) and has been interpreted as likely pathogenic by Baylor Genetics and Revvity Omics. This variant is predicted to cause a frameshift, which alters the protein's amino acid sequence beginning at position 152 and leads to a premature termination codon 7 amino acids downstream. This alteration is then predicted to lead to a truncated or absent protein. Loss of function of the SBDS gene is an established disease mechanism in autosomal recessive Shwachman-Diamond syndrome. In summary, although additional studies are required to fully establish its clinical significance, this variant is likely pathogenic for autosomal recessive Swachman-Diamond syndrome. ACMG/AMP Criteria applied: PVS1, PM2_supporting (Richards 2015).

Baylor Genetics
Classification: Likely pathogenic for Aplastic anemia. Last evaluated: 2023-06-08. Review status: criteria provided, single submitter. Criteria: ACMG Guidelines, 2015. Collection method: clinical testing. Allele origin: unknown.

Revvity Omics, Revvity
Classification: Likely pathogenic for Shwachman-Diamond syndrome 1. Last evaluated: 2022-07-26. Review status: criteria provided, single submitter. Criteria: ACMG Guidelines, 2015. Collection method: clinical testing. Allele origin: germline.

NM_016038.4(SBDS):c.452_453dup (p.Gln152fs)

Gene: SBDS (SBDS ribosome maturation factor; minus strand). Cytogenetic location: 7q11.21.
Variant type: Duplication.
Coding change: c.452_453dup on transcript NM_016038.4 (MANE Select); coding-DNA positions 452 to 453, 2 bases duplicated (AA; older notation c.452_453dupAA).
Protein change: p.Gln152fs; shifts the reading frame from glutamine 152.
Molecular consequence: frameshift variant.
Genome position (GRCh38, 1-based): chr7:66,993,223-66,993,224, TT duplicated on the plus strand (AA on the coding strand, the reverse complement: SBDS is on the minus strand); duplicating any 2 consecutive bases within chr7:66,993,223-66,993,226 gives the same sequence; the c. name uses the placement nearest the transcript's 3' end. VCF-style (leftmost placement, unchanged base first): chr7-66993222-G-GTT. GRCh37 (hg19) VCF-style: chr7-66458209-G-GTT.
Other names: NM_016038.4(SBDS):c.452_453dup; p.Gln152fs; short protein forms Q152fs.
Identifiers: ClinVar variation 2433145 (VCV002433145.5), dbSNP rs1411636529, ClinGen allele CA575259469.